The following is an entry in ClinVar:

ClinVar aggregate classification (germline): Uncertain significance. Review status: criteria provided, multiple submitters, no conflicts (2 of 4 stars). 2 submissions from 2 submitters: Uncertain significance (2). Last evaluated 2024-12-29.

Submissions (2):

Labcorp Genetics (formerly Invitae), Labcorp
Classification: Uncertain significance. Last evaluated: 2024-12-29. Review status: criteria provided, single submitter. Criteria: Invitae Variant Classification Sherloc (09022015). Collection method: clinical testing. Allele origin: germline.
Comment: This sequence change replaces cysteine, which is neutral and slightly polar, with tryptophan, which is neutral and slightly polar, at codon 296 of the GDF1 protein (p.Cys296Trp). This variant is not present in population databases (gnomAD no frequency). This variant has not been reported in the literature in individuals affected with GDF1-related conditions. Invitae Evidence Modeling of protein sequence and biophysical properties (such as structural, functional, and spatial information, amino acid conservation, physicochemical variation, residue mobility, and thermodynamic stability) indicates that this missense variant is expected to disrupt GDF1 protein function with a positive predictive value of 80%. In summary, the available evidence is currently insufficient to determine the role of this variant in disease. Therefore, it has been classified as a Variant of Uncertain Significance.

GeneDx
Classification: Uncertain significance. Last evaluated: 2024-12-20. Review status: criteria provided, single submitter. Criteria: GeneDx Variant Classification Process June 2021. Collection method: clinical testing. Allele origin: germline. Affected: yes.
Comment: Not observed at significant frequency in large population cohorts (gnomAD); In silico analysis supports that this missense variant has a deleterious effect on protein structure/function; Has not been previously published as pathogenic or benign to our knowledge

NM_001492.6(GDF1):c.888C>G (p.Cys296Trp)

Genes: CERS1 (ceramide synthase 1; minus strand), GDF1 (growth differentiation factor 1; minus strand). Cytogenetic location: 19p13.11.
Variant type: single nucleotide variant.
Coding change: c.888C>G on transcript NM_001492.6 (MANE Select); coding-DNA position 888, C replaced by G.
Protein change: p.Cys296Trp; replaces cysteine 296 with tryptophan.
Molecular consequence: missense variant. On other transcripts: 3 prime UTR variant (2).
Genome position (GRCh38, 1-based): chr19:18,868,828, G>C on the plus strand (C>G on the coding strand, the complement: GDF1 is on the minus strand). VCF-style: chr19-18868828-G-C. GRCh37 (hg19) VCF-style: chr19-18979637-G-C.
Other names: c.*1749C>G (NM_001387440.1); c.*1157C>G (NM_021267.5); c.888C>G, p.Cys296Trp (NM_001387438.1); short protein forms C296W.
Identifiers: ClinVar variation 3715466 (VCV003715466.3).